The following is an entry in ClinVar:

NM_001292063.2(OTOG):c.1280A>G (p.His427Arg)

Gene: OTOG (otogelin; plus strand). Cytogenetic location: 11p15.1.
Variant type: single nucleotide variant.
Coding change: c.1280A>G on transcript NM_001292063.2 (MANE Select); coding-DNA position 1280, A replaced by G.
Protein change: p.His427Arg; replaces histidine 427 with arginine.
Molecular consequence: missense variant.
Genome position (GRCh38, 1-based): chr11:17,559,600, A>G. VCF-style: chr11-17559600-A-G. GRCh37 (hg19) VCF-style: chr11-17581147-A-G.
Other names: c.1316A>G, p.His439Arg (NM_001277269.2); short protein forms H427R, H439R.
Identifiers: ClinVar variation 1700320 (VCV001700320.2), dbSNP rs1346823523, ClinGen allele CA379816715.
Genomic context (GRCh38, chr11:17,559,600, plus strand): 5'-ACTGCAAGGAGAAGGCCTTTACCTACAATGAGTGCATCGCCTGCTGCCCTGCCTCCTGCC[A>G]TCCCCGGGCATCCTGTGTGGACAGTGAGATCGCCTGTGTGGACGGCTGCTATTGCCCCAA-3'
Protein context (NP_001278992.1, residues 417-437): ECIACCPASC[His427Arg]PRASCVDSEI

ClinVar aggregate classification (germline): Uncertain significance (1 of 4 stars; one submission).

Allele frequency attached by ClinVar (database versions not stated): gnomAD exomes below 0.00001 and 0.00001; gnomAD 0.00001; TOPMed 0.00001.
gnomAD v4.1: 4 of 1,550,730 alleles (0.00026%); highest among the groups gnomAD compares: Admixed American, 0.0078%; no homozygotes.

Submission:

GeneDx
Classification: Uncertain significance. Last evaluated: 2022-02-08. Review status: criteria provided, single submitter. Criteria: GeneDx Variant Classification Process June 2021. Collection method: clinical testing. Allele origin: germline. Affected: yes.
Comment: Not observed at significant frequency in large population cohorts (gnomAD); In silico analysis supports that this missense variant does not alter protein structure/function; Has not been previously published as pathogenic or benign to our knowledge